The following is an entry in ClinVar:

ClinVar aggregate classification (germline): Uncertain significance (1 of 4 stars; one submission).

gnomAD v4.1: 131 of 1,600,284 alleles (0.0082%); highest among the groups gnomAD compares: South Asian, 0.06%; 2 homozygotes.

Submission:

Labcorp Genetics (formerly Invitae), Labcorp
Classification: Uncertain significance. Last evaluated: 2025-10-14. Review status: criteria provided, single submitter. Criteria: Invitae Variant Classification Sherloc (09022015). Collection method: clinical testing. Allele origin: germline.
Comment: This sequence change replaces arginine, which is basic and polar, with histidine, which is basic and polar, at codon 165 of the SHPK protein (p.Arg165His). This variant also falls at the last nucleotide of exon 3, which is part of the consensus splice site for this exon. This variant is present in population databases (rs762570922, gnomAD 0.05%). This variant has not been reported in the literature in individuals affected with SHPK-related conditions. An algorithm developed to predict the effect of missense changes on protein structure and function (PolyPhen-2) suggests that this variant is likely to be disruptive. Variants that disrupt the consensus splice site are a relatively common cause of aberrant splicing (PMID: 17576681, 9536098). Algorithms developed to predict the effect of sequence changes on RNA splicing suggest that this variant may disrupt the consensus splice site. In summary, the available evidence is currently insufficient to determine the role of this variant in disease. Therefore, it has been classified as a Variant of Uncertain Significance.

Literature cited by the submitters: PubMed 17576681; PubMed 9536098.

NM_013276.4(SHPK):c.494G>A (p.Arg165His)

Genes: SHPK (sedoheptulokinase; minus strand), LOC126862464 (MED14-independent group 3 enhancer GRCh37_chr17:3526895-3528094; plus strand). Cytogenetic location: 17p13.2.
Variant type: single nucleotide variant.
Coding change: c.494G>A on transcript NM_013276.4 (MANE Select); coding-DNA position 494, G replaced by A.
Protein change: p.Arg165His; replaces arginine 165 with histidine.
Molecular consequence: missense variant.
Genome position (GRCh38, 1-based): chr17:3,624,048, C>T on the plus strand (G>A on the coding strand, the complement: SHPK is on the minus strand). VCF-style: chr17-3624048-C-T. GRCh37 (hg19) VCF-style: chr17-3527342-C-T.
Other names: short protein forms R165H.
Identifiers: ClinVar variation 4798141 (VCV004798141.1).